The following is an entry in ClinVar:

ClinVar aggregate classification (germline): not provided (0 of 4 stars; one submission).

Allele frequency attached by ClinVar (database versions not stated): 1000 Genomes Project 30x 0.00031; 1000 Genomes Project 0.00040; gnomAD exomes 0.00117 and 0.00170; TOPMed 0.00120; ExAC 0.00131; gnomAD 0.00151 and 0.00158; ESP Exome Variant Server 0.00185.
gnomAD v4.1: 2,675 of 1,602,242 alleles (0.17%); highest among the groups gnomAD compares: Non-Finnish European, 0.2%; 3 homozygotes.

Submission:

Human Evolutionary Genetics, Institut Pasteur
No classification provided. Review status: no classification provided. Collection method: not provided. Allele origin: germline.
ClinVar note: Converted during submission from untested to not provided.

NM_001276700.2(NLRP6):c.2370-37G>A

Gene: NLRP6 (NLR family pyrin domain containing 6; plus strand). Cytogenetic location: 11p15.5.
Variant type: single nucleotide variant.
Coding change: c.2370-37G>A on transcript NM_001276700.2 (MANE Select); 37 bases into the intron before coding-DNA position 2370, G replaced by A.
Molecular consequence: intron variant.
Genome position (GRCh38, 1-based): chr11:284,438, G>A. VCF-style: chr11-284438-G-A. GRCh37 (hg19) VCF-style: chr11-284438-G-A.
Other names: c.2373-37G>A (NM_138329.2).
Identifiers: ClinVar variation 103240 (VCV000103240.2), dbSNP rs199475815, ClinGen allele CA230304.
Genomic context (GRCh38, chr11:284,438, plus strand): 5'-CAGTGCAGGGTGCAGACGGTCAGGTGAGGCCTGGCCTGGGAGGGACCGTGGGATGCCCCC[G>A]CCACCCCAGCAGCTCCTGAGGTCGGCCCTCCCACAGGGTACAGCTGCCTGACCCCCAGCG-3'